The following is an entry in ClinVar:

NM_005475.3(SH2B3):c.389C>G (p.Pro130Arg)

Gene: SH2B3 (SH2B adaptor protein 3; plus strand). Cytogenetic location: 12q24.12.
Variant type: single nucleotide variant.
Coding change: c.389C>G on transcript NM_005475.3 (MANE Select); coding-DNA position 389, C replaced by G.
Protein change: p.Pro130Arg; replaces proline 130 with arginine.
Molecular consequence: missense variant.
Genome position (GRCh38, 1-based): chr12:111,418,534, C>G. VCF-style: chr12-111418534-C-G. GRCh37 (hg19) VCF-style: chr12-111856338-C-G.
Other names: short protein forms P130R.
Identifiers: ClinVar variation 3953381 (VCV003953381.1).
Genomic context (GRCh38, chr12:111,418,534, plus strand): 5'-CCGCCGCCCCTGGCCTGCCCAAGGCCCGCAGCTCTGAGGAGCTGGCCCCGCCGCGGCCGC[C>G]CGGGCCCTGCTCCTTCCAGCACTTTCGCCGCAGCCTCCGCCACATCTTCCGCCGCCGCTC-3'
Protein context (NP_005466.1, residues 120-140): SSEELAPPRP[Pro130Arg]GPCSFQHFRR

ClinVar aggregate classification (germline): Uncertain significance (1 of 4 stars; one submission).

Conditions:
Inborn genetic diseases. Identifiers: MedGen C0950123, MeSH D030342.

gnomAD v4.1: 3 of 1,427,362 alleles (0.00021%); highest among the groups gnomAD compares: Non-Finnish European, 0.00027%; no homozygotes.

Submission:

Ambry Genetics
Classification: Uncertain significance for Inborn genetic diseases. Last evaluated: 2025-03-24. Review status: criteria provided, single submitter. Criteria: Ambry Variant Classification Scheme 2023. Collection method: clinical testing. Allele origin: germline.
Comment: The p.P130R variant (also known as c.389C>G), located in coding exon 1 of the SH2B3 gene, results from a C to G substitution at nucleotide position 389. The proline at codon 130 is replaced by arginine, an amino acid with dissimilar properties. This amino acid position is conserved. In addition, this alteration is predicted to be tolerated by in silico analysis. Based on the available evidence, the clinical significance of this variant remains unclear.